The following is an entry in ClinVar:

ClinVar aggregate classification (germline): Likely pathogenic (1 of 4 stars; one submission).

Conditions:
COL1A1-related disorder. Also called: COL1A1- related disease; COL1A1-related condition.

Submission:

PreventionGenetics, part of Exact Sciences
Classification: Likely pathogenic for COL1A1-related condition. Last evaluated: 2025-12-22. Review status: criteria provided, single submitter. Criteria: ACMG Guidelines, 2015. Collection method: clinical testing. Allele origin: germline.
Comment: The COL1A1 c.1328G>A variant is predicted to result in the amino acid substitution p.Gly443Glu. To our knowledge, this variant has not been reported in the literature or in a large population database (gnomAD), indicating this variant is rare. This variant is located in the conserved Gly-Xaa-Yaa triple helical domain where substitutions of a glycine are usually pathogenic (Residues 179-1192; Legacy nomenclature in Marini et al. 2007. PubMed ID: 17078022 indicates amino acids 1-1012; Symoens. 2014. PubMed ID: 25146735). This variant is interpreted as likely pathogenic.

NM_000088.4(COL1A1):c.1328G>A (p.Gly443Glu)

Gene: COL1A1 (collagen type I alpha 1 chain; minus strand). Cytogenetic location: 17q21.33.
Variant type: single nucleotide variant.
Coding change: c.1328G>A on transcript NM_000088.4 (MANE Select); coding-DNA position 1328, G replaced by A.
Protein change: p.Gly443Glu; replaces glycine 443 with glutamic acid.
Molecular consequence: missense variant.
Genome position (GRCh38, 1-based): chr17:50,195,072, C>T on the plus strand (G>A on the coding strand, the complement: COL1A1 is on the minus strand). VCF-style: chr17-50195072-C-T. GRCh37 (hg19) VCF-style: chr17-48272433-C-T.
Other names: short protein forms G443E.
Identifiers: ClinVar variation 4991257 (VCV004991257.1).